The following is an entry in ClinVar:

NM_178452.6(DNAAF1):c.1385_1462del (p.Gln462_Asp487del)

Gene: DNAAF1 (dynein axonemal assembly factor 1; plus strand). Cytogenetic location: 16q24.1.
Variant type: Deletion.
Coding change: c.1385_1462del on transcript NM_178452.6 (MANE Select); coding-DNA positions 1385 to 1462, 78 bases deleted.
Protein change: p.Gln462_Asp487del.
Genome position (GRCh38, 1-based): chr16:84,170,213-84,170,290, 78 bases deleted. GRCh37 (hg19): chr16:84,203,819-84,203,896.
Other names: c.677_754del, p.Gln226_Asp251del (NM_001318756.1).
Identifiers: ClinVar variation 4804908 (VCV004804908.1).

ClinVar aggregate classification (germline): Uncertain significance (1 of 4 stars; one submission).

Conditions:
Primary ciliary dyskinesia. Also called: Ciliary dyskinesia. Identifiers: Orphanet 244, MedGen C0008780, MONDO:0016575, HP:0012265.

Submission:

Labcorp Genetics (formerly Invitae), Labcorp
Classification: Uncertain significance for Primary ciliary dyskinesia. Last evaluated: 2025-12-03. Review status: criteria provided, single submitter. Criteria: Invitae Variant Classification Sherloc (09022015). Collection method: clinical testing. Allele origin: germline.
Comment: This variant, c.1385_1462del, results in the deletion of 26 amino acid(s) of the DNAAF1 protein (p.Gln462_Asp487del), but otherwise preserves the integrity of the reading frame. The frequency data for this variant in the population databases is considered unreliable, as metrics indicate poor data quality at this position in the gnomAD database. This variant has not been reported in the literature in individuals affected with DNAAF1-related conditions. Experimental studies and prediction algorithms are not available or were not evaluated, and the functional significance of this variant is currently unknown. In summary, the available evidence is currently insufficient to determine the role of this variant in disease. Therefore, it has been classified as a Variant of Uncertain Significance.